The following is an entry in ClinVar:

ClinVar aggregate classification (germline): Conflicting classifications of pathogenicity. Review status: criteria provided, conflicting classifications (1 of 4 stars). 2 submissions from 2 submitters: Pathogenic (1); Uncertain significance (1). Last evaluated 2025-07-24.

Conditions:
Peroxisome biogenesis disorder 3A (Zellweger). Also called: PEROXISOMAL BIOGENESIS DISORDER 3A (ZELLWEGER); Peroxisome biogenesis disorder 3A. Identifiers: Orphanet 912, MedGen C3553929, MONDO:0013927, OMIM 614859.
Peroxisome biogenesis disorder. Identifiers: Orphanet 79189, MedGen C1832200, MONDO:0019234. Disease mechanism: loss of function.

Submissions (2):

Myriad Genetics, Inc.
Classification: Uncertain significance for Peroxisome biogenesis disorder. Last evaluated: 2025-07-24. Review status: criteria provided, single submitter. Criteria: Myriad Autosomal Dominant, Autosomal Recessive and X-Linked Classification Criteria (2023). Collection method: clinical testing. Allele origin: unknown.
Comment: NM_000286.2(PEX12):c.1039_1040delGA(E347Sfs*6) is a frameshift variant classified as a variant of uncertain significance in the context of peroxisome biogenesis disorder type 3. E347Sfs*6 has not been observed in cases with relevant disease. Relevant functional assessments of this variant are not available in the literature. E347Sfs*6 has not been observed in referenced population frequency databases. In summary, there is insufficient evidence to classify NM_000286.2(PEX12):c.1039_1040delGA(E347Sfs*6) as pathogenic or benign. Please note: this variant was assessed in the context of healthy population screening.

Labcorp Genetics (formerly Invitae), Labcorp
Classification: Pathogenic for Peroxisome biogenesis disorder 3A (Zellweger). Last evaluated: 2024-10-24. Review status: criteria provided, single submitter. Criteria: Invitae Variant Classification Sherloc (09022015). Collection method: clinical testing. Allele origin: germline.
Comment: This sequence change creates a premature translational stop signal (p.Glu347Serfs*6) in the PEX12 gene. While this is not anticipated to result in nonsense mediated decay, it is expected to disrupt the last 13 amino acid(s) of the PEX12 protein. This variant is not present in population databases (gnomAD no frequency). This variant has not been reported in the literature in individuals affected with PEX12-related conditions. ClinVar contains an entry for this variant (Variation ID: 1066716). This variant disrupts a region of the PEX12 protein in which other variant(s) (p.Gln349del) have been determined to be pathogenic (PMID: 15542397, 21031596; internal data). This suggests that this is a clinically significant region of the protein, and that variants that disrupt it are likely to be disease-causing. For these reasons, this variant has been classified as Pathogenic.

Literature cited by the submitters: PubMed 15542397 (cited by Labcorp Genetics (formerly Invitae), Labcorp); PubMed 21031596 (cited by Labcorp Genetics (formerly Invitae), Labcorp).

NM_000286.3(PEX12):c.1039_1040del (p.Glu347fs)

Gene: PEX12 (peroxisomal biogenesis factor 12; minus strand). Cytogenetic location: 17q12.
Variant type: Deletion.
Coding change: c.1039_1040del on transcript NM_000286.3 (MANE Select); coding-DNA positions 1039 to 1040, 2 bases deleted (GA; older notation c.1039_1040delGA).
Protein change: p.Glu347fs; shifts the reading frame from glutamic acid 347.
Molecular consequence: frameshift variant.
Genome position (GRCh38, 1-based): chr17:35,575,822-35,575,823, TC deleted on the plus strand (GA on the coding strand, the reverse complement: PEX12 is on the minus strand); deleting any 2 consecutive bases within chr17:35,575,822-35,575,824 gives the same sequence; the c. name uses the placement nearest the transcript's 3' end. VCF-style (leftmost placement, unchanged base first): chr17-35575821-TTC-T. GRCh37 (hg19) VCF-style: chr17-33902840-TTC-T.
Other names: short protein forms E347fs.
Identifiers: ClinVar variation 1066716 (VCV001066716.11), dbSNP rs2142228734, ClinGen allele CA2499224288.